The following is an entry in ClinVar:

NM_003119.4(SPG7):c.1858G>C (p.Glu620Gln)

Gene: SPG7 (SPG7 matrix AAA peptidase subunit, paraplegin; plus strand). Cytogenetic location: 16q24.3.
Variant type: single nucleotide variant.
Coding change: c.1858G>C on transcript NM_003119.4 (MANE Select); coding-DNA position 1858, G replaced by C.
Protein change: p.Glu620Gln; replaces glutamic acid 620 with glutamine.
Molecular consequence: missense variant.
Genome position (GRCh38, 1-based): chr16:89,553,057, G>C. VCF-style: chr16-89553057-G-C. GRCh37 (hg19) VCF-style: chr16-89619465-G-C.
Other names: c.1858G>C, p.Glu620Gln (NM_001363850.1); short protein forms E620Q.
Identifiers: ClinVar variation 2150943 (VCV002150943.1), dbSNP rs564411648, ClinGen allele CA8244435.

ClinVar aggregate classification (germline): Uncertain significance (1 of 4 stars; one submission).

Conditions:
Hereditary spastic paraplegia 7 (SPG7). Also called: Spastic paraplegia 7; Hereditary spastic paraplegia Paraplegin type; SPG7-related neurologic disorder; SPASTIC PARAPLEGIA 7, AUTOSOMAL RECESSIVE, WITH OR WITHOUT CEREBELLAR ATAXIA; Autosomal recessive spastic paraplegia type 7. Identifiers: Orphanet 99013, MedGen C1846564, MONDO:0011803, OMIM 607259.

Allele frequency attached by ClinVar (database versions not stated): gnomAD exomes below 0.00001; ExAC 0.00001; gnomAD 0.00003; TOPMed 0.00005; 1000 Genomes Project 30x 0.00016; 1000 Genomes Project 0.00020.
gnomAD v4.1: 7 of 1,614,028 alleles (0.00043%); highest among the groups gnomAD compares: Admixed American, 0.0083%; no homozygotes.

Submission:

Labcorp Genetics (formerly Invitae), Labcorp
Classification: Uncertain significance for Hereditary spastic paraplegia 7. Last evaluated: 2022-06-25. Review status: criteria provided, single submitter. Criteria: Invitae Variant Classification Sherloc (09022015). Collection method: clinical testing. Allele origin: germline.
Comment: This sequence change replaces glutamic acid, which is acidic and polar, with glutamine, which is neutral and polar, at codon 620 of the SPG7 protein (p.Glu620Gln). This variant is present in population databases (rs564411648, gnomAD 0.003%). This variant has not been reported in the literature in individuals affected with SPG7-related conditions. Advanced modeling of protein sequence and biophysical properties (such as structural, functional, and spatial information, amino acid conservation, physicochemical variation, residue mobility, and thermodynamic stability) performed at Invitae indicates that this missense variant is expected to disrupt SPG7 protein function. In summary, the available evidence is currently insufficient to determine the role of this variant in disease. Therefore, it has been classified as a Variant of Uncertain Significance.